The following is an entry in ClinVar:

NM_031307.4(PUS3):c.605C>G (p.Ala202Gly)

Genes: HYLS1 (HYLS1 centriolar and ciliogenesis associated; plus strand), PUS3 (pseudouridine synthase 3; minus strand). Cytogenetic location: 11q24.2.
Variant type: single nucleotide variant.
Coding change: c.605C>G on transcript NM_031307.4 (MANE Select); coding-DNA position 605, C replaced by G.
Protein change: p.Ala202Gly; replaces alanine 202 with glycine.
Molecular consequence: missense variant. On other transcripts: 5 prime UTR variant (1), intron variant (5).
Genome position (GRCh38, 1-based): chr11:125,895,563, G>C on the plus strand (C>G on the coding strand, the complement: PUS3 is on the minus strand). VCF-style: chr11-125895563-G-C. GRCh37 (hg19) VCF-style: chr11-125765458-G-C.
Other names: c.-20C>G (NM_001271985.2); c.-80-3541G>C (NM_145014.3); c.-25-3781G>C (NM_001134793.2, NM_001377269.1); c.-22-3784G>C (NM_001424364.1, NM_001377270.1); short protein forms A202G.
Identifiers: ClinVar variation 2070025 (VCV002070025.6), dbSNP rs189235230, ClinGen allele CA6350476.

ClinVar aggregate classification (germline): Likely benign. Review status: criteria provided, single submitter (1 of 4 stars). 2 submissions from 2 submitters: Likely benign (1). 1 of the submissions does not count toward it. Last evaluated 2025-12-13.

Conditions:
PUS3-related disorder. Also called: PUS3-related condition.

Allele frequency attached by ClinVar (database versions not stated): gnomAD 0.00003; TOPMed 0.00012; 1000 Genomes Project 30x 0.00016; 1000 Genomes Project 0.00020.
gnomAD v4.1: 80 of 1,614,180 alleles (0.005%); highest among the groups gnomAD compares: Admixed American, 0.13%; no homozygotes.

Submissions (2):

Labcorp Genetics (formerly Invitae), Labcorp
Classification: Likely benign. Last evaluated: 2025-12-13. Review status: criteria provided, single submitter. Criteria: Invitae Variant Classification Sherloc (09022015). Collection method: clinical testing. Allele origin: germline.

PreventionGenetics, part of Exact Sciences
Classification: Likely benign for PUS3-related condition. Last evaluated: 2022-04-19. Review status: no assertion criteria provided. Collection method: clinical testing. Allele origin: germline. Not counted in ClinVar's aggregate classification.
Comment: This variant is classified as likely benign based on ACMG/AMP sequence variant interpretation guidelines (Richards et al. 2015 PMID: 25741868, with internal and published modifications).